The following is an entry in ClinVar:

ClinVar aggregate classification (germline): Uncertain significance (1 of 4 stars; one submission).

Submission:

GeneDx
Classification: Uncertain significance. Last evaluated: 2025-02-04. Review status: criteria provided, single submitter. Criteria: GeneDx Variant Classification Process June 2021. Collection method: clinical testing. Allele origin: germline. Affected: yes.
Comment: Not observed at significant frequency in large population cohorts (gnomAD); In silico analysis supports that this missense variant has a deleterious effect on protein structure/function; Has not been previously published as pathogenic or benign to our knowledge

NM_020719.3(PRR12):c.4676G>A (p.Gly1559Glu)

Gene: PRR12 (proline rich 12; plus strand). Cytogenetic location: 19q13.33.
Variant type: single nucleotide variant.
Coding change: c.4676G>A on transcript NM_020719.3 (MANE Select); coding-DNA position 4676, G replaced by A.
Protein change: p.Gly1559Glu; replaces glycine 1559 with glutamic acid.
Molecular consequence: missense variant.
Genome position (GRCh38, 1-based): chr19:49,601,821, G>A. VCF-style: chr19-49601821-G-A. GRCh37 (hg19) VCF-style: chr19-50105078-G-A.
Other names: short protein forms G1559E.
Identifiers: ClinVar variation 4074478 (VCV004074478.1).
Genomic context (GRCh38, chr19:49,601,821, plus strand): 5'-AGCTGCCGGACACCCGGCCCCTGCATCTGGCCAAAAAGCAGGAGACGGCGGCAGTGTGTG[G>A]GGAGACGGACGAGGAGGCCGGCGAGAGTGGCGGAGAGGGCATCTTCCGGGAACGGGACGA-3'
Protein context (NP_065770.1, residues 1549-1569): AKKQETAAVC[Gly1559Glu]ETDEEAGESG